The following is an entry in ClinVar:

ClinVar aggregate classification (germline): Uncertain significance. Review status: criteria provided, multiple submitters, no conflicts (2 of 4 stars). 4 submissions from 4 submitters: Uncertain significance (3). 1 of the submissions does not count toward it. Last evaluated 2025-09-26.

Conditions:
CDH1-related disorder. Also called: CDH1-related condition.
Hereditary cancer-predisposing syndrome. Also called: Hereditary neoplastic syndrome; Neoplastic Syndromes, Hereditary; Tumor predisposition; Hereditary Cancer Syndrome. Identifiers: Orphanet 140162, MedGen C0027672, MeSH D009386, MONDO:0015356.
Hereditary diffuse gastric adenocarcinoma (HDGC). Also called: DIFFUSE GASTRIC AND LOBULAR BREAST CANCER SYNDROME. Identifiers: Orphanet 26106, MedGen C1708349, MONDO:0007648, OMIM 137215.

Submissions (4):

Ambry Genetics
Classification: Uncertain significance for Hereditary cancer-predisposing syndrome. Last evaluated: 2025-09-26. Review status: criteria provided, single submitter. Criteria: Ambry Variant Classification Scheme 2023. Collection method: clinical testing. Allele origin: germline.
Comment: The p.S559C variant (also known as c.1675A>T), located in coding exon 11 of the CDH1 gene, results from an A to T substitution at nucleotide position 1675. The serine at codon 559 is replaced by cysteine, an amino acid with dissimilar properties. This amino acid position is conserved. In addition, the in silico prediction for this alteration is inconclusive. Based on the available evidence, the clinical significance of this variant remains unclear.

Color Diagnostics, LLC DBA Color Health
Classification: Uncertain significance for Hereditary cancer-predisposing syndrome. Last evaluated: 2023-12-04. Review status: criteria provided, single submitter. Criteria: ACMG Guidelines, 2015. Collection method: clinical testing. Allele origin: germline.
Comment: This missense variant replaces serine with cysteine at codon 559 of the CDH1 protein. To our knowledge, functional studies have not been reported for this variant. This variant has not been reported in individuals affected with hereditary cancer in the literature. This variant has not been identified in the general population by the Genome Aggregation Database (gnomAD). The available evidence is insufficient to determine the role of this variant in disease conclusively. Therefore, this variant is classified as a Variant of Uncertain Significance.

Labcorp Genetics (formerly Invitae), Labcorp
Classification: Uncertain significance for Hereditary diffuse gastric adenocarcinoma. Last evaluated: 2018-05-14. Review status: criteria provided, single submitter. Criteria: Invitae Variant Classification Sherloc (09022015). Collection method: clinical testing. Allele origin: germline.
Comment: In summary, the available evidence is currently insufficient to determine the role of this variant in disease. Therefore, it has been classified as a Variant of Uncertain Significance. Algorithms developed to predict the effect of missense changes on protein structure and function are either unavailable or do not agree on the potential impact of this missense change (SIFT: "Deleterious"; PolyPhen-2: "Possibly Damaging"; Align-GVGD: "Class C15"). This variant has not been reported in the literature in individuals with CDH1-related disease. ClinVar contains an entry for this variant (Variation ID: 463726). This variant is not present in population databases (ExAC no frequency). This sequence change replaces serine with cysteine at codon 559 of the CDH1 protein (p.Ser559Cys). The serine residue is moderately conserved and there is a moderate physicochemical difference between serine and cysteine.

PreventionGenetics, part of Exact Sciences
Classification: Uncertain significance for CDH1-related condition. Last evaluated: 2024-04-30. Review status: no assertion criteria provided. Collection method: clinical testing. Allele origin: germline. Not counted in ClinVar's aggregate classification.
Comment: The CDH1 c.1675A>T variant is predicted to result in the amino acid substitution p.Ser559Cys. To our knowledge, this variant has not been reported in the literature or in a large population database, indicating this variant is rare. This variant is interpreted as a variant of uncertain significance in ClinVar. At this time, the clinical significance of this variant is uncertain due to the absence of conclusive functional and genetic evidence.

NM_004360.5(CDH1):c.1675A>T (p.Ser559Cys)

Gene: CDH1 (cadherin 1; plus strand). Cytogenetic location: 16q22.1.
Variant type: single nucleotide variant.
Coding change: c.1675A>T on transcript NM_004360.5 (MANE Select); coding-DNA position 1675, A replaced by T.
Protein change: p.Ser559Cys; replaces serine 559 with cysteine.
Molecular consequence: missense variant. On other transcripts: intron variant (1).
Genome position (GRCh38, 1-based): chr16:68,819,389, A>T. VCF-style: chr16-68819389-A-T. GRCh37 (hg19) VCF-style: chr16-68853292-A-T.
Other names: c.1675A>T (LRG_301t1); c.1492A>T, p.Ser498Cys (NM_001317184.2); c.127A>T, p.Ser43Cys (NM_001317185.2); c.-254-2612A>T (NM_001317186.2); short protein forms S559C, S43C, S498C.
Identifiers: ClinVar variation 463726 (VCV000463726.15), dbSNP rs1555516566, ClinGen allele CA396465332.